The following is an entry in ClinVar:

ClinVar aggregate classification (germline): Uncertain significance (1 of 4 stars; one submission).

Submission:

Labcorp Genetics (formerly Invitae), Labcorp
Classification: Uncertain significance. Last evaluated: 2022-01-26. Review status: criteria provided, single submitter. Criteria: Invitae Variant Classification Sherloc (09022015). Collection method: clinical testing. Allele origin: germline.
Comment: This variant is not present in population databases (gnomAD no frequency). This sequence change replaces threonine, which is neutral and polar, with alanine, which is neutral and non-polar, at codon 198 of the PIGB protein (p.Thr198Ala). This variant has not been reported in the literature in individuals affected with PIGB-related conditions. In summary, the available evidence is currently insufficient to determine the role of this variant in disease. Therefore, it has been classified as a Variant of Uncertain Significance. Algorithms developed to predict the effect of missense changes on protein structure and function (SIFT, PolyPhen-2, Align-GVGD) all suggest that this variant is likely to be tolerated.

NM_004855.5(PIGB):c.592A>G (p.Thr198Ala)

Gene: PIGB (phosphatidylinositol glycan anchor biosynthesis class B; plus strand). Cytogenetic location: 15q21.3.
Variant type: single nucleotide variant.
Coding change: c.592A>G on transcript NM_004855.5 (MANE Select); coding-DNA position 592, A replaced by G.
Protein change: p.Thr198Ala; replaces threonine 198 with alanine.
Molecular consequence: missense variant.
Genome position (GRCh38, 1-based): chr15:55,329,793, A>G. VCF-style: chr15-55329793-A-G. GRCh37 (hg19) VCF-style: chr15-55621991-A-G.
Other names: short protein forms T198A.
Identifiers: ClinVar variation 2089520 (VCV002089520.4), dbSNP rs2543089549, ClinGen allele CA392542163.